The following is an entry in ClinVar:

ClinVar aggregate classification (germline): Pathogenic (1 of 4 stars; one submission).

Conditions:
Hereditary cancer-predisposing syndrome. Also called: Hereditary neoplastic syndrome; Tumor predisposition; Hereditary Cancer Syndrome; Neoplastic Syndromes, Hereditary. Identifiers: Orphanet 140162, MedGen C0027672, MeSH D009386, MONDO:0015356.

Submission:

Ambry Genetics
Classification: Pathogenic for Hereditary cancer-predisposing syndrome. Last evaluated: 2023-06-19. Review status: criteria provided, single submitter. Criteria: Ambry Variant Classification Scheme 2023. Collection method: clinical testing. Allele origin: germline.
Comment: The p.E171* pathogenic mutation (also known as c.511G>T), located in coding exon 2 of the CDKN1B gene, results from a G to T substitution at nucleotide position 511. This changes the amino acid from a glutamic acid to a stop codon within coding exon 2. This variant is considered to be rare based on population cohorts in the Genome Aggregation Database (gnomAD). This alteration is expected to result in loss of function by premature protein truncation or nonsense-mediated mRNA decay. As such, this alteration is interpreted as a disease-causing mutation.

NM_004064.5(CDKN1B):c.511G>T (p.Glu171Ter)

Gene: CDKN1B (cyclin dependent kinase inhibitor 1B; plus strand). Cytogenetic location: 12p13.1.
Variant type: single nucleotide variant.
Coding change: c.511G>T on transcript NM_004064.5 (MANE Select); coding-DNA position 511, G replaced by T.
Protein change: p.Glu171Ter; replaces glutamic acid 171 with a stop codon.
Molecular consequence: nonsense.
Genome position (GRCh38, 1-based): chr12:12,718,860, G>T. VCF-style: chr12-12718860-G-T. GRCh37 (hg19) VCF-style: chr12-12871794-G-T.
Other names: short protein forms E171*.
Identifiers: ClinVar variation 2585893 (VCV002585893.2), dbSNP rs2136357327, ClinGen allele CA383972833.